The following is an entry in ClinVar:

ClinVar aggregate classification (germline): Uncertain significance (1 of 4 stars; one submission).

Conditions:
Pyruvate carboxylase deficiency. Also called: PC DEFICIENCY; ATAXIA WITH LACTIC ACIDOSIS II; LEIGH NECROTIZING ENCEPHALOPATHY DUE TO PYRUVATE CARBOXYLASE DEFICIENCY; LEIGH SYNDROME DUE TO PYRUVATE CARBOXYLASE DEFICIENCY; Pyruvate Carboxylase Deficiency Disease. Identifiers: Orphanet 3008, MedGen C0034341, MONDO:0009949, OMIM 266150.

gnomAD v4.1: 15 of 1,613,632 alleles (0.00093%); highest among the groups gnomAD compares: Admixed American, 0.025%; no homozygotes.

Submission:

Labcorp Genetics (formerly Invitae), Labcorp
Classification: Uncertain significance for Pyruvate carboxylase deficiency. Last evaluated: 2021-09-01. Review status: criteria provided, single submitter. Criteria: Invitae Variant Classification Sherloc (09022015). Collection method: clinical testing. Allele origin: germline.
Comment: This sequence change replaces arginine with leucine at codon 137 of the PC protein (p.Arg137Leu). The arginine residue is moderately conserved and there is a moderate physicochemical difference between arginine and leucine. This variant is not present in population databases (ExAC no frequency). This variant has not been reported in the literature in individuals affected with PC-related conditions. Algorithms developed to predict the effect of missense changes on protein structure and function (SIFT, PolyPhen-2, Align-GVGD) all suggest that this variant is likely to be tolerated. In summary, the available evidence is currently insufficient to determine the role of this variant in disease. Therefore, it has been classified as a Variant of Uncertain Significance.

NM_001040716.2(PC):c.410G>T (p.Arg137Leu)

Gene: PC (pyruvate carboxylase; minus strand). Cytogenetic location: 11q13.2.
Variant type: single nucleotide variant.
Coding change: c.410G>T on transcript NM_001040716.2 (MANE Select); coding-DNA position 410, G replaced by T.
Protein change: p.Arg137Leu; replaces arginine 137 with leucine.
Molecular consequence: missense variant.
Genome position (GRCh38, 1-based): chr11:66,871,392, C>A on the plus strand (G>T on the coding strand, the complement: PC is on the minus strand). VCF-style: chr11-66871392-C-A. GRCh37 (hg19) VCF-style: chr11-66638863-C-A.
Other names: c.410G>T, p.Arg137Leu (NM_000920.4, NM_022172.3); short protein forms R137L.
Identifiers: ClinVar variation 1393511 (VCV001393511.5), dbSNP rs772619045, ClinGen allele CA381502494.